The following is an entry in ClinVar:

NM_001243925.2(MAPKAPK3):c.667T>C (p.Cys223Arg)

Gene: MAPKAPK3 (MAPK activated protein kinase 3; plus strand). Cytogenetic location: 3p21.2.
Variant type: single nucleotide variant.
Coding change: c.667T>C on transcript NM_001243925.2 (MANE Select); coding-DNA position 667, T replaced by C.
Protein change: p.Cys223Arg; replaces cysteine 223 with arginine.
Molecular consequence: missense variant.
Genome position (GRCh38, 1-based): chr3:50,645,748, T>C. VCF-style: chr3-50645748-T-C. GRCh37 (hg19) VCF-style: chr3-50683179-T-C.
Other names: c.667T>C, p.Cys223Arg (NM_001243926.2, NM_004635.5); short protein forms C223R.
Identifiers: ClinVar variation 2866450 (VCV002866450.3), dbSNP rs2471705602, ClinGen allele CA352933178.

ClinVar aggregate classification (germline): Uncertain significance (1 of 4 stars; one submission).

Submission:

Labcorp Genetics (formerly Invitae), Labcorp
Classification: Uncertain significance. Last evaluated: 2023-11-16. Review status: criteria provided, single submitter. Criteria: Invitae Variant Classification Sherloc (09022015). Collection method: clinical testing. Allele origin: germline.
Comment: This sequence change replaces cysteine, which is neutral and slightly polar, with arginine, which is basic and polar, at codon 223 of the MAPKAPK3 protein (p.Cys223Arg). This variant is not present in population databases (gnomAD no frequency). This variant has not been reported in the literature in individuals affected with MAPKAPK3-related conditions. An algorithm developed to predict the effect of missense changes on protein structure and function (PolyPhen-2) suggests that this variant is likely to be disruptive. In summary, the available evidence is currently insufficient to determine the role of this variant in disease. Therefore, it has been classified as a Variant of Uncertain Significance.